The following is an entry in ClinVar:

NM_005802.5(TOPORS):c.2711C>T (p.Ser904Phe)

Gene: TOPORS (TOP1 binding arginine/serine rich protein, E3 ubiquitin ligase; minus strand). Cytogenetic location: 9p21.1.
Variant type: single nucleotide variant.
Coding change: c.2711C>T on transcript NM_005802.5 (MANE Select); coding-DNA position 2711, C replaced by T.
Protein change: p.Ser904Phe; replaces serine 904 with phenylalanine.
Molecular consequence: missense variant.
Genome position (GRCh38, 1-based): chr9:32,541,814, G>A on the plus strand (C>T on the coding strand, the complement: TOPORS is on the minus strand). VCF-style: chr9-32541814-G-A. GRCh37 (hg19) VCF-style: chr9-32541812-G-A.
Other names: c.2516C>T, p.Ser839Phe (NM_001195622.2); short protein forms S839F, S904F.
Identifiers: ClinVar variation 1490277 (VCV001490277.6), dbSNP rs750722963, ClinGen allele CA5020314.
Genomic context (GRCh38, chr9:32,541,814, plus strand): 5'-GTATCCTCCTTTACTTCAGAATCCTTATCACTGTCACTGTCAATGGTAATTACAACTGGG[G>A]AACGTGAAGCATTATCTCCATGGTGTTTCTTATGCTTCTTCTTATGTTTCTTCTTTTTCT-3'
Protein context (NP_005793.2, residues 894-914): KKHHGDNASR[Ser904Phe]PVVITIDSDS

ClinVar aggregate classification (germline): Uncertain significance (1 of 4 stars; one submission).

Allele frequency attached by ClinVar (database versions not stated): ExAC 0.00001; TOPMed 0.00002; gnomAD 0.00003 and 0.00004.
gnomAD v4.1: 6 of 1,614,028 alleles (0.00037%); highest among the groups gnomAD compares: African/African-American, 0.008%; no homozygotes.

Submission:

Labcorp Genetics (formerly Invitae), Labcorp
Classification: Uncertain significance. Last evaluated: 2023-01-18. Review status: criteria provided, single submitter. Criteria: Invitae Variant Classification Sherloc (09022015). Collection method: clinical testing. Allele origin: germline.
Comment: This sequence change replaces serine, which is neutral and polar, with phenylalanine, which is neutral and non-polar, at codon 904 of the TOPORS protein (p.Ser904Phe). This variant is present in population databases (rs750722963, gnomAD 0.01%). This missense change has been observed in individual(s) with clinical features of retinitis pigmentosa (Invitae). ClinVar contains an entry for this variant (Variation ID: 1490277). Algorithms developed to predict the effect of missense changes on protein structure and function are either unavailable or do not agree on the potential impact of this missense change (SIFT: "Deleterious"; PolyPhen-2: "Not Available"; Align-GVGD: "Class C0"). In summary, the available evidence is currently insufficient to determine the role of this variant in disease. Therefore, it has been classified as a Variant of Uncertain Significance.